The following is an entry in ClinVar:

ClinVar aggregate classification (germline): Uncertain significance (1 of 4 stars; one submission).

gnomAD v4.1: 1 of 1,613,426 alleles (0.000062%); no homozygotes.

Submission:

GeneDx
Classification: Uncertain significance. Last evaluated: 2023-12-15. Review status: criteria provided, single submitter. Criteria: GeneDx Variant Classification Process June 2021. Collection method: clinical testing. Allele origin: germline. Affected: yes.
Comment: Not observed at significant frequency in large population cohorts (gnomAD); In silico analysis supports that this missense variant has a deleterious effect on protein structure/function; Has not been previously published as pathogenic or benign to our knowledge; Variants in candidate genes are classified as variants of uncertain significance in accordance with ACMG guidelines (PMID: 25741868)

NM_032242.4(PLXNA1):c.233T>C (p.Leu78Pro)

Gene: PLXNA1 (plexin A1; plus strand). Cytogenetic location: 3q21.3.
Variant type: single nucleotide variant.
Coding change: c.233T>C on transcript NM_032242.4 (MANE Select); coding-DNA position 233, T replaced by C.
Protein change: p.Leu78Pro; replaces leucine 78 with proline.
Molecular consequence: missense variant.
Genome position (GRCh38, 1-based): chr3:126,988,826, T>C. VCF-style: chr3-126988826-T-C. GRCh37 (hg19) VCF-style: chr3-126707669-T-C.
Other names: short protein forms L78P.
Identifiers: ClinVar variation 4686783 (VCV004686783.1).